The following is an entry in ClinVar:

NM_053025.4(MYLK):c.1573G>T (p.Val525Phe)

Gene: MYLK (myosin light chain kinase; minus strand). Cytogenetic location: 3q21.1.
Variant type: single nucleotide variant.
Coding change: c.1573G>T on transcript NM_053025.4 (MANE Select); coding-DNA position 1573, G replaced by T.
Protein change: p.Val525Phe; replaces valine 525 with phenylalanine.
Molecular consequence: missense variant.
Genome position (GRCh38, 1-based): chr3:123,726,022, C>A on the plus strand (G>T on the coding strand, the complement: MYLK is on the minus strand). VCF-style: chr3-123726022-C-A. GRCh37 (hg19) VCF-style: chr3-123444869-C-A.
Other names: c.1045G>T, p.Val349Phe (NM_001321309.2); c.1366G>T, p.Val456Phe (NM_053026.4, NM_053028.4); c.1573G>T, p.Val525Phe (NM_053027.4); short protein forms V349F, V525F, V456F.
Identifiers: ClinVar variation 3401090 (VCV003401090.1).

ClinVar aggregate classification (germline): Uncertain significance (1 of 4 stars; one submission).

Conditions:
Familial thoracic aortic aneurysm and aortic dissection (TAAD). Also called: Thoracic aortic aneurysms and dissections. Identifiers: Orphanet 91387, MedGen C4707243, MONDO:0019625.

Submission:

Ambry Genetics
Classification: Uncertain significance for Familial thoracic aortic aneurysm and aortic dissection. Last evaluated: 2024-07-24. Review status: criteria provided, single submitter. Criteria: Ambry Variant Classification Scheme 2023. Collection method: clinical testing. Allele origin: germline.
Comment: The p.V525F variant (also known as c.1573G>T), located in coding exon 9 of the MYLK gene, results from a G to T substitution at nucleotide position 1573. The valine at codon 525 is replaced by phenylalanine, an amino acid with highly similar properties. This amino acid position is conserved. In addition, the in silico prediction for this alteration is inconclusive. Based on the available evidence, the clinical significance of this variant remains unclear.